The following is an entry in ClinVar:

NM_000441.2(SLC26A4):c.701C>A (p.Ser234Ter)

Gene: SLC26A4 (solute carrier family 26 member 4; plus strand). Cytogenetic location: 7q22.3.
Variant type: single nucleotide variant.
Coding change: c.701C>A on transcript NM_000441.2 (MANE Select); coding-DNA position 701, C replaced by A.
Protein change: p.Ser234Ter; replaces serine 234 with a stop codon.
Molecular consequence: nonsense.
Genome position (GRCh38, 1-based): chr7:107,675,045, C>A. VCF-style: chr7-107675045-C-A. GRCh37 (hg19) VCF-style: chr7-107315490-C-A.
Other names: short protein forms S234*.
Identifiers: ClinVar variation 2678912 (VCV002678912.5), dbSNP rs767477168, ClinGen allele CA368831609.

ClinVar aggregate classification (germline): Pathogenic/Likely pathogenic. Review status: criteria provided, multiple submitters, no conflicts (2 of 4 stars). 2 submissions from 2 submitters: Pathogenic (1); Likely pathogenic (1). Last evaluated 2024-02-29.

Conditions:
Autosomal recessive nonsyndromic hearing loss 4 (DFNB4). Also called: Deafness, autosomal recessive 4; Enlarged vestibular aqueduct, digenic; NEUROSENSORY NONSYNDROMIC RECESSIVE DEAFNESS 4; Nonsyndromic enlarged vestibular aqueduct (NSEVA); FOXI1-Related Pendred Syndrome; KCNJ10-Related Pendred Syndrome. Identifiers: Orphanet 90636, MedGen C3538946, MONDO:0010933, OMIM 600791.

Allele frequency attached by ClinVar (database versions not stated): gnomAD exomes below 0.00001; TOPMed below 0.00001.
gnomAD v4.1: 1 of 1,614,030 alleles (0.000062%); highest among the groups gnomAD compares: Admixed American, 0.0017%; no homozygotes.

Submissions (2):

Baylor Genetics
Classification: Likely pathogenic for Autosomal recessive nonsyndromic hearing loss 4. Last evaluated: 2024-02-29. Review status: criteria provided, single submitter. Criteria: ACMG Guidelines, 2015. Collection method: clinical testing. Allele origin: unknown.

Labcorp Genetics (formerly Invitae), Labcorp
Classification: Pathogenic. Last evaluated: 2023-12-25. Review status: criteria provided, single submitter. Criteria: Invitae Variant Classification Sherloc (09022015). Collection method: clinical testing. Allele origin: germline.
Comment: This sequence change creates a premature translational stop signal (p.Ser234*) in the SLC26A4 gene. It is expected to result in an absent or disrupted protein product. Loss-of-function variants in SLC26A4 are known to be pathogenic (PMID: 16283880, 25394566, 26252218, 26445815). This variant is present in population databases (no rsID available, gnomAD 0.003%). This variant has not been reported in the literature in individuals affected with SLC26A4-related conditions. For these reasons, this variant has been classified as Pathogenic.

Literature cited by the submitters: PubMed 16283880 (cited by Labcorp Genetics (formerly Invitae), Labcorp); PubMed 25394566 (cited by Labcorp Genetics (formerly Invitae), Labcorp); PubMed 26252218 (cited by Labcorp Genetics (formerly Invitae), Labcorp); PubMed 26445815 (cited by Labcorp Genetics (formerly Invitae), Labcorp).